The following is an entry in ClinVar:

ClinVar aggregate classification (germline): Likely benign. Review status: criteria provided, multiple submitters, no conflicts (2 of 4 stars). 4 submissions from 4 submitters: Likely benign (4). Last evaluated 2024-10-03.

Allele frequency attached by ClinVar (database versions not stated): gnomAD 0.00006 and 0.00007; ExAC 0.00008; ESP Exome Variant Server 0.00008; TOPMed 0.00009; gnomAD exomes 0.00011 and 0.00012; 1000 Genomes Project 30x 0.00031; 1000 Genomes Project 0.00040.
gnomAD v4.1: 190 of 1,588,980 alleles (0.012%); highest among the groups gnomAD compares: Admixed American, 0.018%; no homozygotes.

Submissions (4):

Blueprint Genetics
Classification: Likely benign. Last evaluated: 2024-10-03. Review status: criteria provided, single submitter. Criteria: ACMG Guidelines, 2015. Collection method: clinical testing. Allele origin: germline.

CeGaT Center for Human Genetics Tuebingen
Classification: Likely benign. Last evaluated: 2022-06-01. Review status: criteria provided, single submitter. Criteria: CeGaT Center For Human Genetics Tuebingen Variant Classification Criteria Version 2. Collection method: clinical testing. Allele origin: germline. Affected: yes. Observed: 1 variant allele.
Comment: KCNT2: BP4

Labcorp Genetics (formerly Invitae), Labcorp
Classification: Likely benign. Last evaluated: 2018-04-10. Review status: criteria provided, single submitter. Criteria: Invitae Variant Classification Sherloc (09022015). Collection method: clinical testing. Allele origin: germline.

Breakthrough Genomics
Classification: Likely benign. Review status: criteria provided, single submitter. Criteria: ACMG Guidelines, 2015. Collection method: not provided. Allele origin: germline. Inheritance: Autosomal dominant inheritance. Affected: yes.

NM_198503.5(KCNT2):c.1582A>C (p.Arg528=)

Gene: KCNT2 (potassium sodium-activated channel subfamily T member 2; minus strand). Cytogenetic location: 1q31.3.
Variant type: single nucleotide variant.
Coding change: c.1582A>C on transcript NM_198503.5 (MANE Select); coding-DNA position 1582, A replaced by C.
Protein change: p.Arg528=; no amino-acid change (arginine 528 retained).
Molecular consequence: synonymous variant. On other transcripts: non-coding transcript variant (2).
Genome position (GRCh38, 1-based): chr1:196,340,542, T>G on the plus strand (A>C on the coding strand, the complement: KCNT2 is on the minus strand). VCF-style: chr1-196340542-T-G. GRCh37 (hg19) VCF-style: chr1-196309672-T-G.
Other names: c.1582A>C, p.Arg528= (NM_001287819.3); c.1432A>C, p.Arg478= (NM_001287820.3).
Identifiers: ClinVar variation 740143 (VCV000740143.36), dbSNP rs373639174, ClinGen allele CA1304399.